The following is an entry in ClinVar:

ClinVar aggregate classification (germline): Pathogenic (1 of 4 stars; one submission).

Submission:

GeneDx
Classification: Pathogenic. Last evaluated: 2025-03-06. Review status: criteria provided, single submitter. Criteria: GeneDx Variant Classification Process June 2021. Collection method: clinical testing. Allele origin: germline. Affected: yes.
Comment: Frameshift variant predicted to result in protein truncation or nonsense mediated decay in a gene for which loss of function is a known mechanism of disease; Not observed at significant frequency in large population cohorts (gnomAD); This variant is associated with the following publications: (PMID: 39184971, 35287262, 30212743, 35803092)

NM_003560.4(PLA2G6):c.835del (p.Ile279fs)

Gene: PLA2G6 (phospholipase A2 group VI; minus strand). Cytogenetic location: 22q13.1.
Variant type: Deletion.
Coding change: c.835del on transcript NM_003560.4 (MANE Select); coding-DNA position 835, one base deleted (A; older notation c.835delA).
Protein change: p.Ile279fs; shifts the reading frame from isoleucine 279.
Molecular consequence: frameshift variant.
Genome position (GRCh38, 1-based): chr22:38,135,047, T deleted on the plus strand (A on the coding strand, the reverse complement: PLA2G6 is on the minus strand). VCF-style (leftmost placement, unchanged base first): chr22-38135046-AT-A. GRCh37 (hg19) VCF-style: chr22-38531053-AT-A.
Other names: c.835del, p.Ile279fs (NM_001004426.3, NM_001199562.3, NM_001349864.2 and 2 more transcripts); c.301del, p.Ile101fs (NM_001349867.2, NM_001349869.2); c.157del, p.Ile53fs (NM_001349868.2); short protein forms I101fs, I279fs, I53fs.
Identifiers: ClinVar variation 4278643 (VCV004278643.1).
Genomic context (GRCh38, chr22:38,135,046, plus strand): 5'-ACCTCTGCGTTCTTGGCCCAGTGGAGGGGGCTGGCTCCGTAACGGGGGTCTTTGCTGTGG[AT>A]CTGGCTGCTGTCCATGCTGATGATCATCTCCGCACACCTGGTGAGAGAGGGGCCCCGGTT-3'